The following is an entry in ClinVar:

ClinVar aggregate classification (germline): Uncertain significance (1 of 4 stars; one submission).

gnomAD v4.1: 3 of 1,614,238 alleles (0.00019%); highest among the groups gnomAD compares: South Asian, 0.0022%; no homozygotes.

Submission:

Labcorp Genetics (formerly Invitae), Labcorp
Classification: Uncertain significance. Last evaluated: 2021-03-23. Review status: criteria provided, single submitter. Criteria: Invitae Variant Classification Sherloc (09022015). Collection method: clinical testing. Allele origin: germline.
Comment: In summary, the available evidence is currently insufficient to determine the role of this variant in disease. Therefore, it has been classified as a Variant of Uncertain Significance. Algorithms developed to predict the effect of missense changes on protein structure and function (SIFT, PolyPhen-2, Align-GVGD) all suggest that this variant is likely to be tolerated, but these predictions have not been confirmed by published functional studies and their clinical significance is uncertain. This variant has not been reported in the literature in individuals with CAD-related conditions. This variant is not present in population databases (ExAC no frequency). This sequence change replaces valine with alanine at codon 823 of the CAD protein (p.Val823Ala). The valine residue is moderately conserved and there is a small physicochemical difference between valine and alanine.

NM_004341.5(CAD):c.2468T>C (p.Val823Ala)

Genes: CAD (carbamoyl-phosphate synthetase 2, aspartate transcarbamylase, and dihydroorotase; plus strand), LOC126806171 (BRD4-independent group 4 enhancer GRCh37_chr2:27454350-27455549; plus strand). Cytogenetic location: 2p23.3.
Variant type: single nucleotide variant.
Coding change: c.2468T>C on transcript NM_004341.5 (MANE Select); coding-DNA position 2468, T replaced by C.
Protein change: p.Val823Ala; replaces valine 823 with alanine.
Molecular consequence: missense variant.
Genome position (GRCh38, 1-based): chr2:27,232,047, T>C. VCF-style: chr2-27232047-T-C. GRCh37 (hg19) VCF-style: chr2-27454915-T-C.
Other names: c.2279T>C, p.Val760Ala (NM_001306079.2); short protein forms V760A, V823A.
Identifiers: ClinVar variation 1380672 (VCV001380672.8), dbSNP rs756915889, ClinGen allele CA346211353.
Genomic context (GRCh38, chr2:27,232,047, plus strand): 5'-AGACTCCAACAGATAAGCGGATTTTTGTGGTGGCAGCTGCTTTGTGGGCTGGTTATTCAG[T>C]GGACCGCCTGTATGAGCTCACACGCATCGACCGCTGGTTCCTGCACCGAATGAAGCGTAT-3'
Protein context (NP_004332.2, residues 813-833): VAAALWAGYS[Val823Ala]DRLYELTRID